The following is an entry in ClinVar:

ClinVar aggregate classification (germline): Pathogenic/Likely pathogenic. Review status: criteria provided, multiple submitters, no conflicts (2 of 4 stars). 8 submissions from 8 submitters: Pathogenic (7); Likely pathogenic (1). Last evaluated 2026-01-08.

Conditions:
DNASE1L3-related disorders.
DNASE1L3-related disorder. Also called: DNASE1L3-related condition.
Autosomal systemic lupus erythematosus type 16. Also called: Systemic lupus erythematosus 16. Identifiers: Orphanet 300345, MedGen C3280742, MONDO:0013743, OMIM 614420.

Submissions (8):

Labcorp Genetics (formerly Invitae), Labcorp
Classification: Pathogenic. Last evaluated: 2026-01-08. Review status: criteria provided, single submitter. Criteria: Invitae Variant Classification Sherloc (09022015). Collection method: clinical testing. Allele origin: germline.
Comment: This sequence change creates a premature translational stop signal (p.Thr97Ilefs*2) in the DNASE1L3 gene. It is expected to result in an absent or disrupted protein product. Loss-of-function variants in DNASE1L3 are known to be pathogenic (PMID: 24206041, 27821515). This variant is present in population databases (rs751206379, gnomAD 0.02%). This premature translational stop signal has been observed in individual(s) with systemic lupus erythematosus (PMID: 23666765, 27821515, 30008451, 31092713). This variant is also known as c.289_ 290delAC. ClinVar contains an entry for this variant (Variation ID: 1172533). For these reasons, this variant has been classified as Pathogenic.

Blueprint Genetics
Classification: Pathogenic for DNASE1L3-related disorders. Last evaluated: 2024-11-05. Review status: criteria provided, single submitter. Criteria: ACMG Guidelines, 2015. Collection method: clinical testing. Allele origin: germline. Affected: yes. Observed: 5 variant alleles.

Dubai Health Genomic Medicine Center, Dubai Health
Classification: Pathogenic for Systemic lupus erythematosus 16. Last evaluated: 2024-10-04. Review status: criteria provided, single submitter. Criteria: ACMG Guidelines, 2015. Collection method: research. Allele origin: germline. Affected: yes.
Comment: PVS1, PM3_VeryStrong, PM2

Fulgent Genetics
Classification: Pathogenic for Autosomal systemic lupus erythematosus type 16. Last evaluated: 2024-05-24. Review status: criteria provided, single submitter. Criteria: ACMG Guidelines, 2015. Collection method: clinical testing. Allele origin: germline.

PreventionGenetics, part of Exact Sciences
Classification: Pathogenic for DNASE1L3-related condition. Last evaluated: 2023-05-02. Review status: criteria provided, single submitter. Criteria: ACMG Guidelines, 2015. Collection method: clinical testing. Allele origin: germline.
Comment: The DNASE1L3 c.290_291delCA variant is predicted to result in a frameshift and premature protein termination (p.Thr97Ilefs*2). In the literature, this variant is also described as c.288_289delCA. This variant has been reported in the homozygous and compound heterozygous states in individuals with early-onset systemic lupus erythematous (SLE) (Batu et al. 2018. PubMed ID: 30008451; Chan et al. 2020. PubMed ID: 33022220; Kisla Ekinci et al. 2021. PubMed ID: 34161863), with autoimmune disease features mimicking SLE (Carbonella et al. 2017. PubMed ID: 27821515), and with hypocomplementemic urticarial vasculitis syndrome (HUVS) (Özçakar et al. 2013. PubMed ID: 23666765). This variant was also reported in the heterozygous state in a pediatric patient with recurrent aphthous stomatitis with systemic inflammation (Patient 5, Girardelli et al. 2021. PubMed ID: 33971891). Functional studies have shown that DNASE1L3-deficient patients with this variant had impaired DNA fragmentation profiles (Chan et al. 2020. PubMed ID: 33022220). This variant is reported in 0.017% of alleles in individuals of European (Non-Finnish) descent in gnomAD. Frameshift variants in DNASE1L3 are expected to be pathogenic. This variant is interpreted as pathogenic.

Department of Pathology and Laboratory Medicine, Sinai Health System
Classification: Likely pathogenic for Autosomal systemic lupus erythematosus type 16. Last evaluated: 2022-11-02. Review status: criteria provided, single submitter. Criteria: ACMG Guidelines, 2015. Collection method: research. Allele origin: germline.

Undiagnosed Diseases Network, NIH
Classification: Pathogenic for Autosomal systemic lupus erythematosus type 16. Last evaluated: 2018-02-16. Review status: criteria provided, single submitter. Criteria: ACMG Guidelines, 2015. Collection method: clinical testing. Allele origin: paternal. Inheritance: Autosomal recessive inheritance. Affected: yes. Observed: 1 variant allele, 1 compound heterozygote. Study: Undiagnosed Diseases Network (NIH), UDN.

Rady Children's Institute for Genomic Medicine, Rady Children's Hospital San Diego
Classification: Pathogenic for SYSTEMIC LUPUS ERYTHEMATOSUS 16. Review status: criteria provided, single submitter. Criteria: ACMG Guidelines, 2015. Collection method: clinical testing. Allele origin: germline. Affected: yes.
Comment: This frameshifting variant in exon 5 of 10 introduces a premature stop codon and is therefore predicted to result in loss of normal protein function through either protein truncation or nonsense-mediated mRNA decay (NMD). This variant has been previously reported as a homozygous change in patients with hypocomplementemic urticarial vasculitis syndrome and lupus nephritis (PMID: 23666765, 27821515, 30008451, 31092713, 33022220, 34161863). Loss-of-function variation in DNASE1L3 is an established mechanism of disease (PMID: 24206041, 27821515). The c.290_291del (p.Thr97IlefsTer2) variant is present in the heterozygous state in the gnomAD population database at a frequency of 0.008% (24/282790) and is absent in the homozygous state, thus is presumed to be rare. Based on the available evidence, the c.290_291del (p.Thr97IlefsTer2) variant is classified as Pathogenic.

Literature cited by the submitters: PubMed 24206041 (cited by Labcorp Genetics (formerly Invitae), Labcorp); PubMed 27821515 (cited by Labcorp Genetics (formerly Invitae), Labcorp); PubMed 23666765 (cited by Labcorp Genetics (formerly Invitae), Labcorp); PubMed 30008451 (cited by Labcorp Genetics (formerly Invitae), Labcorp); PubMed 31092713 (cited by Labcorp Genetics (formerly Invitae), Labcorp).

NM_004944.4(DNASE1L3):c.290_291del (p.Thr97fs)

Gene: DNASE1L3 (deoxyribonuclease 1L3; minus strand). Cytogenetic location: 3p14.3.
Variant type: Microsatellite.
Coding change: c.290_291del on transcript NM_004944.4 (MANE Select); coding-DNA positions 290 to 291, 2 bases deleted (CA; older notation c.290_291delCA).
Protein change: p.Thr97fs; shifts the reading frame from threonine 97.
Molecular consequence: frameshift variant. On other transcripts: intron variant (1).
Genome position (GRCh38, 1-based): chr3:58,205,500-58,205,501, TG deleted on the plus strand (CA on the coding strand, the reverse complement: DNASE1L3 is on the minus strand); deleting any 2 consecutive bases within chr3:58,205,500-58,205,504 gives the same sequence; the c. name uses the placement nearest the transcript's 3' end. VCF-style (leftmost placement, unchanged base first): chr3-58205499-ATG-A. GRCh37 (hg19) VCF-style: chr3-58191226-ATG-A.
Other names: c.231-620_231-619del (NM_001256560.2); c.290_291del (NM_004944.3); short protein forms T97fs.
Identifiers: ClinVar variation 1172533 (VCV001172533.15), dbSNP rs751206379, ClinGen allele CA2470055.
Genomic context (GRCh38, chr3:58,205,499, plus strand): 5'-GCCATGTTCCAGGGAGCATAGGTGATACTTACTTGTAGAGAAAGGCATATTGTTCTTTAT[ATG>A]TGTTTCTTCCAAGCCGAGAGCTAATCACATAGTTGTACGTTATGCCTCTCCTTGAATTTC-3'